The following is an entry in ClinVar:

ClinVar aggregate classification (germline): Uncertain significance. Review status: criteria provided, multiple submitters, no conflicts (2 of 4 stars). 2 submissions from 2 submitters: Uncertain significance (2). Last evaluated 2025-07-24.

Conditions:
Paramyotonia congenita of Von Eulenburg. Also called: PARALYSIS PERIODICA PARAMYOTONICA; Paramyotonia Congenita; Eulenburg disease; Myotonia congenita intermittens; Von Eulenburg paramyotonia congenita. Identifiers: Orphanet 684, MedGen C0221055, MONDO:0008195, OMIM 168300. Disease mechanism: loss of function.
Congenital myasthenic syndrome 16. Identifiers: Orphanet 590, MedGen C3280112, MONDO:0013620, OMIM 614198.
Hypokalemic periodic paralysis, type 1. Also called: Hypokalemic Periodic Paralysis Type 1 (AD); HypoPP. Identifiers: Orphanet 681, MedGen C3714580, MONDO:0042979, OMIM 170400.
Potassium-aggravated myotonia. Also called: MYOTONIA CONGENITA, ACETAZOLAMIDE-RESPONSIVE; MYOTONIA CONGENITA, ATYPICAL; SODIUM CHANNEL MUSCLE DISEASE; Myotonia congenita, atypical, acetazolamide-responsive. Identifiers: Orphanet 612, Orphanet 99734, Orphanet 99735, Orphanet 99736, MedGen C2931826, MONDO:0018959, OMIM 608390.
Hypokalemic periodic paralysis, type 2 (HOKPP2). Identifiers: Orphanet 681, MedGen C2750061, MONDO:0013234, OMIM 613345.
Hyperkalemic periodic paralysis. Also called: Familial hyperkalemic periodic paralysis; Gamstorp disease. Identifiers: Orphanet 682, MedGen C0238357, MONDO:0008224, OMIM 170500, HP:0007215.

Allele frequency attached by ClinVar (database versions not stated): ESP Exome Variant Server 0.00008; gnomAD 0.00004 and 0.00005; gnomAD exomes 0.00003; ExAC 0.00006.
gnomAD v4.1: 55 of 1,567,988 alleles (0.0035%); highest among the groups gnomAD compares: Non-Finnish European, 0.0046%; no homozygotes.

Submissions (2):

Labcorp Genetics (formerly Invitae), Labcorp
Classification: Uncertain significance for Hyperkalemic periodic paralysis. Last evaluated: 2025-07-24. Review status: criteria provided, single submitter. Criteria: Invitae Variant Classification Sherloc (09022015). Collection method: clinical testing. Allele origin: germline.
Comment: This sequence change falls in intron 10 of the SCN4A gene. It does not directly change the encoded amino acid sequence of the SCN4A protein. It affects a nucleotide within the consensus splice site. This variant is present in population databases (rs377617612, gnomAD 0.008%). This variant has not been reported in the literature in individuals affected with SCN4A-related conditions. ClinVar contains an entry for this variant (Variation ID: 1419792). Variants that disrupt the consensus splice site are a relatively common cause of aberrant splicing (PMID: 17576681, 9536098). Algorithms developed to predict the effect of sequence changes on RNA splicing suggest that this variant is not likely to affect RNA splicing. In summary, the available evidence is currently insufficient to determine the role of this variant in disease. Therefore, it has been classified as a Variant of Uncertain Significance.

Fulgent Genetics
Classification: Uncertain significance for Paramyotonia congenita of Von Eulenburg; Hypokalemic periodic paralysis, type 1; Hyperkalemic periodic paralysis; Potassium-aggravated myotonia; Hypokalemic periodic paralysis, type 2; Congenital myasthenic syndrome 16. Last evaluated: 2021-11-12. Review status: criteria provided, single submitter. Criteria: ACMG Guidelines, 2015. Collection method: clinical testing. Allele origin: unknown.

Literature cited by the submitters: PubMed 17576681 (cited by Labcorp Genetics (formerly Invitae), Labcorp); PubMed 9536098 (cited by Labcorp Genetics (formerly Invitae), Labcorp).

NM_000334.4(SCN4A):c.1606+3G>T

Gene: SCN4A (sodium voltage-gated channel alpha subunit 4; minus strand). Cytogenetic location: 17q23.3.
Variant type: single nucleotide variant.
Coding change: c.1606+3G>T on transcript NM_000334.4 (MANE Select); 3 bases into the intron after coding-DNA position 1606, G replaced by T.
Molecular consequence: intron variant.
Genome position (GRCh38, 1-based): chr17:63,963,669, C>A on the plus strand (G>T on the coding strand, the complement: SCN4A is on the minus strand). VCF-style: chr17-63963669-C-A. GRCh37 (hg19) VCF-style: chr17-62041029-C-A.
Identifiers: ClinVar variation 1419792 (VCV001419792.7), dbSNP rs377617612, ClinGen allele CA8709794.